The following is an entry in ClinVar:

ClinVar aggregate classification (germline): Uncertain significance. Review status: criteria provided, multiple submitters, no conflicts (2 of 4 stars). 7 submissions from 7 submitters: Uncertain significance (5). 2 of the submissions do not count toward it. Last evaluated 2025-07-03.

Conditions:
Autosomal dominant nonsyndromic hearing loss 11. Identifiers: Orphanet 90635, MedGen C1832475, MONDO:0011032, OMIM 601317.
Autosomal recessive nonsyndromic hearing loss 2. Also called: DEAFNESS, AUTOSOMAL RECESSIVE 2; NEUROSENSORY NONSYNDROMIC RECESSIVE DEAFNESS 2. Identifiers: Orphanet 90636, MedGen C1838701, MONDO:0010807, OMIM 600060.
Usher syndrome type 1 (USH1). Also called: RETINITIS PIGMENTOSA AND CONGENITAL DEAFNESS. Identifiers: Orphanet 231169, Orphanet 886, MedGen C1568247, MONDO:0010168, OMIM 276900.
Usher syndrome type 1B (USH1B). Also called: Usher syndrome type IB. Identifiers: MedGen C1848638, MONDO:0700087.

Allele frequency attached by ClinVar (database versions not stated): gnomAD 0.00001; gnomAD exomes 0.00002; ExAC 0.00003.
gnomAD v4.1: 24 of 1,613,566 alleles (0.0015%); highest among the groups gnomAD compares: East Asian, 0.047%; no homozygotes.

Submissions (7):

Labcorp Genetics (formerly Invitae), Labcorp
Classification: Uncertain significance. Last evaluated: 2025-07-03. Review status: criteria provided, single submitter. Criteria: Invitae Variant Classification Sherloc (09022015). Collection method: clinical testing. Allele origin: germline.
Comment: This sequence change replaces arginine, which is basic and polar, with cysteine, which is neutral and slightly polar, at codon 675 of the MYO7A protein (p.Arg675Cys). This variant is present in population databases (rs782459520, gnomAD 0.02%). This missense change has been observed in individual(s) with MYO7A-related conditions (PMID: 23967202, 35453549, 38594301). ClinVar contains an entry for this variant (Variation ID: 558557). Invitae Evidence Modeling of protein sequence and biophysical properties (such as structural, functional, and spatial information, amino acid conservation, physicochemical variation, residue mobility, and thermodynamic stability) indicates that this missense variant is expected to disrupt MYO7A protein function with a positive predictive value of 95%. In summary, the available evidence is currently insufficient to determine the role of this variant in disease. Therefore, it has been classified as a Variant of Uncertain Significance.

Women's Health and Genetics/Laboratory Corporation of America, LabCorp
Classification: Uncertain significance. Last evaluated: 2023-07-13. Review status: criteria provided, single submitter. Criteria: LabCorp Variant Classification Summary - May 2015. Collection method: clinical testing. Allele origin: germline.
Comment: Variant summary: MYO7A c.2023C>T (p.Arg675Cys) results in a non-conservative amino acid change located in the myosin head, motor domain (IPR001609) of the encoded protein sequence. Five of five in-silico tools predict a damaging effect of the variant on protein function. The variant allele was found at a frequency of 2e-05 in 247790 control chromosomes. c.2023C>T has been reported in the literature in at least two heterozygous individuals affected with hearing loss (Joo_2022). The variant has also been reported in additional individuals with clinical features of MYO7A-related disorders without strong evidence for causality (e.g., Miyagawa_2013, Kars_2021) These data indicate that the variant may be associated with disease. To our knowledge, no experimental evidence demonstrating an impact on protein function has been reported. The following publications have been ascertained in the context of this evaluation (PMID: 35453549, 34426522, 23967202). Four submitters have cited clinical-significance assessments for this variant to ClinVar after 2014, and all submitters classified the variant as a variant of uncertain significance. Based on the evidence outlined above, the variant was classified as VUS-possibly pathogenic.

3billion
Classification: Uncertain significance for Autosomal dominant nonsyndromic hearing loss 11. Last evaluated: 2023-02-23. Review status: criteria provided, single submitter. Criteria: ACMG Guidelines, 2015. Collection method: clinical testing. Allele origin: unknown. Affected: yes.
Comment: The variant is observed at an extremely low frequency in the gnomAD v2.1.1 dataset (total allele frequency: 0.002%). Predicted Consequence/Location: missense variants. In silico tool predictions suggest damaging effect of the variant on gene or gene product (REVEL: 0.89; 3Cnet: 0.59). Same nucleotide change resulting in same amino acid change has been previously reported to be associated with MYO7A related disorder (PMID: 23967202). However, the evidence of pathogenicity is insufficient at this time. Therefore, this variant is classified as VUS according to the recommendation of ACMG/AMP guideline.

GeneDx
Classification: Uncertain significance. Last evaluated: 2018-12-06. Review status: criteria provided, single submitter. Criteria: GeneDx Variant Classification Process June 2021. Collection method: clinical testing. Allele origin: germline. Affected: yes.
Comment: Observed in association with autosomal dominant or sporadic hearing loss; no specific patient information provided (Miyagawa et al., 2013); In silico analysis, which includes protein predictors and evolutionary conservation, supports a deleterious effect; This variant is associated with the following publications: (PMID: 23967202)

Breakthrough Genomics
Classification: Uncertain significance. Review status: criteria provided, single submitter. Criteria: ACMG Guidelines, 2015. Collection method: not provided. Allele origin: germline. Inheritance: Autosomal recessive inheritance. Affected: yes.

Natera, Inc.
Classification: Uncertain significance for Usher syndrome type 1B. Last evaluated: 2020-03-24. Review status: no assertion criteria provided. Collection method: clinical testing. Allele origin: germline. Not counted in ClinVar's aggregate classification.

Counsyl
Classification: Uncertain significance for Usher syndrome type 1; Autosomal recessive nonsyndromic hearing loss 2. Last evaluated: 2018-05-30. Review status: no assertion criteria provided. Collection method: clinical testing. Allele origin: unknown. Not counted in ClinVar's aggregate classification.

Literature cited by the submitters: PubMed 23967202 (cited by 4 submitters); PubMed 35453549 (cited by Labcorp Genetics (formerly Invitae), Labcorp and Women's Health and Genetics/Laboratory Corporation of America, LabCorp); PubMed 38594301 (cited by Labcorp Genetics (formerly Invitae), Labcorp); PubMed 34426522 (cited by Women's Health and Genetics/Laboratory Corporation of America, LabCorp).

NM_000260.4(MYO7A):c.2023C>T (p.Arg675Cys)

Gene: MYO7A (myosin VIIA; plus strand). Cytogenetic location: 11q13.5.
Variant type: single nucleotide variant.
Coding change: c.2023C>T on transcript NM_000260.4 (MANE Select); coding-DNA position 2023, C replaced by T.
Protein change: p.Arg675Cys; replaces arginine 675 with cysteine.
Molecular consequence: missense variant.
Genome position (GRCh38, 1-based): chr11:77,174,843, C>T. VCF-style: chr11-77174843-C-T. GRCh37 (hg19) VCF-style: chr11-76885889-C-T.
Other names: c.2023C>T, p.Arg675Cys (NM_001127180.2); c.1990C>T, p.Arg664Cys (NM_001369365.1); short protein forms R675C, R664C.
Identifiers: ClinVar variation 558557 (VCV000558557.9), dbSNP rs782459520, ClinGen allele CA6197668.
Genomic context (GRCh38, chr11:77,174,843, plus strand): 5'-CAGCTGCGGTACTCAGGAATGATGGAGACCATCCGAATCCGCCGAGCTGGCTACCCCATC[C>T]GCTACAGCTTCGTAGAGTTTGTGGAGCGGTACCGTGTGCTGCTGCCAGGTGTGAAGCCGG-3'
Protein context (NP_000251.3, residues 665-685): IRIRRAGYPI[Arg675Cys]YSFVEFVERY